The following is an entry in ClinVar:

ClinVar aggregate classification (germline): Uncertain significance (1 of 4 stars; one submission).

Conditions:
ALG9 congenital disorder of glycosylation (CDG1L). Also called: ALG9-CDG; CDG Il; CONGENITAL DISORDER OF GLYCOSYLATION, TYPE Il. Identifiers: Orphanet 79328, MedGen C2931006, MONDO:0012117, OMIM 608776.

Allele frequency attached by ClinVar (database versions not stated): gnomAD 0.00001.
gnomAD v4.1: 1 of 1,613,346 alleles (0.000062%); highest among the groups gnomAD compares: Admixed American, 0.0017%; no homozygotes.

Submission:

Labcorp Genetics (formerly Invitae), Labcorp
Classification: Uncertain significance for ALG9 congenital disorder of glycosylation. Last evaluated: 2022-03-21. Review status: criteria provided, single submitter. Criteria: Invitae Variant Classification Sherloc (09022015). Collection method: clinical testing. Allele origin: germline.
Comment: In summary, the available evidence is currently insufficient to determine the role of this variant in disease. Therefore, it has been classified as a Variant of Uncertain Significance. Algorithms developed to predict the effect of missense changes on protein structure and function output the following: SIFT: "Tolerated"; PolyPhen-2: "Benign"; Align-GVGD: "Class C0". The arginine amino acid residue is found in multiple mammalian species, which suggests that this missense change does not adversely affect protein function. This variant has not been reported in the literature in individuals affected with ATP6V0A2-related conditions. This variant is not present in population databases (gnomAD no frequency). This sequence change replaces leucine, which is neutral and non-polar, with arginine, which is basic and polar, at codon 844 of the ATP6V0A2 protein (p.Leu844Arg).

NM_012463.4(ATP6V0A2):c.2531T>G (p.Leu844Arg)

Gene: ATP6V0A2 (ATPase H+ transporting V0 subunit a2; plus strand). Cytogenetic location: 12q24.31.
Variant type: single nucleotide variant.
Coding change: c.2531T>G on transcript NM_012463.4 (MANE Select); coding-DNA position 2531, T replaced by G.
Protein change: p.Leu844Arg; replaces leucine 844 with arginine.
Molecular consequence: missense variant.
Genome position (GRCh38, 1-based): chr12:123,757,992, T>G. VCF-style: chr12-123757992-T-G. GRCh37 (hg19) VCF-style: chr12-124242539-T-G.
Other names: short protein forms L844R.
Identifiers: ClinVar variation 1961891 (VCV001961891.3), dbSNP rs1956780819, ClinGen allele CA387159037.